The following is an entry in ClinVar:

ClinVar aggregate classification (germline): Uncertain significance (1 of 4 stars; one submission).

Conditions:
Familial hypocalciuric hypercalcemia (FHH). Also called: Familial benign hypercalcemia. Identifiers: Orphanet 405, MedGen C1809471, MONDO:0018458.
Autosomal dominant hypocalcemia 1 (HYPOC1). Also called: HYPOCALCEMIA, FAMILIAL. Identifiers: MedGen C3715128, MONDO:0011013, OMIM 601198.

Submission:

Labcorp Genetics (formerly Invitae), Labcorp
Classification: Uncertain significance for Familial hypocalciuric hypercalcemia; Autosomal dominant hypocalcemia 1. Last evaluated: 2019-10-23. Review status: criteria provided, single submitter. Criteria: Invitae Variant Classification Sherloc (09022015). Collection method: clinical testing. Allele origin: germline.
Comment: In summary, the available evidence is currently insufficient to determine the role of this variant in disease. Therefore, it has been classified as a Variant of Uncertain Significance. Algorithms developed to predict the effect of missense changes on protein structure and function are either unavailable or do not agree on the potential impact of this missense change (SIFT: "Deleterious"; PolyPhen-2: "Benign"; Align-GVGD: "Class C25"). This variant has not been reported in the literature in individuals with CASR-related conditions. This variant is not present in population databases (ExAC no frequency). This sequence change replaces isoleucine with valine at codon 427 of the CASR protein (p.Ile427Val). The isoleucine residue is highly conserved and there is a small physicochemical difference between isoleucine and valine.

NM_000388.4(CASR):c.1279A>G (p.Ile427Val)

Gene: CASR (calcium sensing receptor; plus strand). Cytogenetic location: 3q21.1.
Variant type: single nucleotide variant.
Coding change: c.1279A>G on transcript NM_000388.4 (MANE Select); coding-DNA position 1279, A replaced by G.
Protein change: p.Ile427Val; replaces isoleucine 427 with valine.
Molecular consequence: missense variant.
Genome position (GRCh38, 1-based): chr3:122,262,314, A>G. VCF-style: chr3-122262314-A-G. GRCh37 (hg19) VCF-style: chr3-121981161-A-G.
Other names: c.1279A>G, p.Ile427Val (NM_001178065.2); short protein forms I427V.
Identifiers: ClinVar variation 968191 (VCV000968191.10), dbSNP rs2074637558, ClinGen allele CA354152983.